The following is an entry in ClinVar:

ClinVar aggregate classification (germline): Benign. Review status: criteria provided, multiple submitters, no conflicts (2 of 4 stars). 2 submissions from 2 submitters: Benign (2). Last evaluated 2018-01-13.

Conditions:
Disorders of Intracellular Cobalamin Metabolism. Identifiers: MedGen CN043592.

Allele frequency attached by ClinVar (database versions not stated): 1000 Genomes Project 30x 0.31808; 1000 Genomes Project 0.32188; TOPMed 0.34270; gnomAD 0.34433 and 0.34448; gnomAD exomes 0.37040 and 0.37288; ExAC 0.37930.
gnomAD v4.1: 142,805 of 394,448 alleles (36%); highest among the groups gnomAD compares: East Asian, 44%; 27,449 homozygotes.

Submissions (2):

Illumina Laboratory Services, Illumina
Classification: Benign for Disorders of Intracellular Cobalamin Metabolism. Last evaluated: 2018-01-13. Review status: criteria provided, single submitter. Criteria: ICSL Variant Classification Criteria 13 December 2019. Collection method: clinical testing. Allele origin: germline.
Comment: This variant was observed in the ICSL laboratory as part of a predisposition screen in an ostensibly healthy population. It had not been previously curated by ICSL or reported in the Human Gene Mutation Database (HGMD: prior to June 1st, 2018), and was therefore a candidate for classification through an automated scoring system. Utilizing variant allele frequency, disease prevalence and penetrance estimates, and inheritance mode, an automated score was calculated to assess if this variant is too frequent to cause the disease. Based on the score and internal cut-off values, a variant classified as benign is not then subjected to further curation. The score for this variant resulted in a classification of benign for this disease.

Breakthrough Genomics
Classification: Benign. Review status: criteria provided, single submitter. Criteria: ACMG Guidelines, 2015. Collection method: not provided. Allele origin: germline. Inheritance: Autosomal recessive inheritance. Affected: yes.

NM_000254.3(MTR):c.*2560A>G

Gene: MTR (5-methyltetrahydrofolate-homocysteine methyltransferase; plus strand). Cytogenetic location: 1q43.
Variant type: single nucleotide variant.
Coding change: c.*2560A>G on transcript NM_000254.3 (MANE Select); 2560 bases downstream of the stop codon, A replaced by G.
Molecular consequence: 3 prime UTR variant.
Genome position (GRCh38, 1-based): chr1:236,900,204, A>G. VCF-style: chr1-236900204-A-G. GRCh37 (hg19) VCF-style: chr1-237063504-A-G.
Other names: c.*2560A>G (NM_001291939.1, NM_001291940.2).
Identifiers: ClinVar variation 296633 (VCV000296633.6), dbSNP rs9779, ClinGen allele CA1474817.